The following is an entry in ClinVar:

NM_032119.4(ADGRV1):c.18059T>C (p.Leu6020Pro)

Gene: ADGRV1 (adhesion G protein-coupled receptor V1; plus strand). Cytogenetic location: 5q14.3.
Variant type: single nucleotide variant.
Coding change: c.18059T>C on transcript NM_032119.4 (MANE Select); coding-DNA position 18059, T replaced by C.
Protein change: p.Leu6020Pro; replaces leucine 6020 with proline.
Molecular consequence: missense variant. On other transcripts: non-coding transcript variant (1).
Genome position (GRCh38, 1-based): chr5:90,985,429, T>C. VCF-style: chr5-90985429-T-C. GRCh37 (hg19) VCF-style: chr5-90281246-T-C.
Other names: short protein forms L6020P.
Identifiers: ClinVar variation 969287 (VCV000969287.8), dbSNP rs1780410774, ClinGen allele CA360429216.

ClinVar aggregate classification (germline): Uncertain significance (1 of 4 stars; one submission).

Submission:

Labcorp Genetics (formerly Invitae), Labcorp
Classification: Uncertain significance. Last evaluated: 2022-01-06. Review status: criteria provided, single submitter. Criteria: Invitae Variant Classification Sherloc (09022015). Collection method: clinical testing. Allele origin: germline.
Comment: ClinVar contains an entry for this variant (Variation ID: 969287). In summary, the available evidence is currently insufficient to determine the role of this variant in disease. Therefore, it has been classified as a Variant of Uncertain Significance. Algorithms developed to predict the effect of missense changes on protein structure and function are either unavailable or do not agree on the potential impact of this missense change (SIFT: "Deleterious"; PolyPhen-2: "Probably Damaging"; Align-GVGD: "Class C0"). This variant has not been reported in the literature in individuals affected with ADGRV1-related conditions. This variant is not present in population databases (gnomAD no frequency). This sequence change replaces leucine, which is neutral and non-polar, with proline, which is neutral and non-polar, at codon 6020 of the ADGRV1 protein (p.Leu6020Pro).